The following is an entry in ClinVar:

NM_001318777.2(TIRAP):c.*30T>G

Gene: TIRAP (TIR domain containing adaptor protein; plus strand). Cytogenetic location: 11q24.2.
Variant type: single nucleotide variant.
Coding change: c.*30T>G on transcript NM_001318777.2 (MANE Select); 30 bases downstream of the stop codon, T replaced by G.
Molecular consequence: 3 prime UTR variant.
Genome position (GRCh38, 1-based): chr11:126,293,717, T>G. VCF-style: chr11-126293717-T-G. GRCh37 (hg19) VCF-style: chr11-126163612-T-G.
Other names: c.*30T>G (NM_001039661.2).
Identifiers: ClinVar variation 2688489 (VCV002688489.2), dbSNP rs8177376, ClinGen allele CA6354793.

ClinVar aggregate classification (germline): Benign (1 of 4 stars; one submission).

Allele frequency attached by ClinVar (database versions not stated): 1000 Genomes Project 0.11881; 1000 Genomes Project 30x 0.11883; TOPMed 0.16475; gnomAD 0.17416; ExAC 0.17869; ESP Exome Variant Server 0.18803; gnomAD exomes 0.22229.
gnomAD v4.1: 350,023 of 1,612,412 alleles (22%); highest among the groups gnomAD compares: Non-Finnish European, 25%; 41,239 homozygotes.

Submission:

Unidad de Genómica Garrahan, Hospital de Pediatría Garrahan
Classification: Benign. Last evaluated: 2024-01-24. Review status: criteria provided, single submitter. Criteria: ACMG Guidelines, 2015. Collection method: clinical testing. Allele origin: germline. Affected: no. Observed: 20 variant alleles.
Comment: This variant is classified as Benign based on local population frequency. This variant was detected in 23% of patients studied by a panel of primary immunodeficiencies. Number of patients: 20. Only high quality variants are reported.